The following is an entry in ClinVar:

ClinVar aggregate classification (germline): Conflicting classifications of pathogenicity. Review status: criteria provided, conflicting classifications (1 of 4 stars). 5 submissions from 5 submitters: Uncertain significance (3); Benign (1). 1 of the submissions does not count toward it. Last evaluated 2026-01-19.

Conditions:
NEB-related disorder. Also called: NEB-Related Disorders; NEB-related condition.
Nemaline myopathy 2 (NEM2). Also called: Nemaline myopathy 2, autosomal recessive. Identifiers: MedGen C1850569, MONDO:0009725, OMIM 256030.
Inborn genetic diseases. Identifiers: MedGen C0950123, MeSH D030342.

Allele frequency attached by ClinVar (database versions not stated): ExAC 0.00006; ESP Exome Variant Server 0.00008; gnomAD 0.00013 and 0.00014; 1000 Genomes Project 30x 0.00016; TOPMed 0.00017; 1000 Genomes Project 0.00020.
gnomAD v4.1: 56 of 1,613,648 alleles (0.0035%); highest among the groups gnomAD compares: African/African-American, 0.045%; no homozygotes.

Submissions (5):

Labcorp Genetics (formerly Invitae), Labcorp
Classification: Benign for Nemaline myopathy 2. Last evaluated: 2026-01-19. Review status: criteria provided, single submitter. Criteria: Invitae Variant Classification Sherloc (09022015). Collection method: clinical testing. Allele origin: germline.

PreventionGenetics, part of Exact Sciences
Classification: Uncertain significance for NEB-related condition. Last evaluated: 2025-11-22. Review status: criteria provided, single submitter. Criteria: ACMG Guidelines, 2015. Collection method: clinical testing. Allele origin: germline.
Comment: The NEB c.19358C>T variant is predicted to result in the amino acid substitution p.Thr6453Met. To our knowledge, this variant has not been reported in the literature. This variant is reported in 0.033% of alleles in individuals of African descent in gnomAD. At this time, the clinical significance of this variant is uncertain due to the absence of conclusive functional and genetic evidence.

Ambry Genetics
Classification: Uncertain significance for Inborn genetic diseases. Last evaluated: 2024-07-10. Review status: criteria provided, single submitter. Criteria: Ambry Variant Classification Scheme 2023. Collection method: clinical testing. Allele origin: germline.

Revvity Omics, Revvity
Classification: Uncertain significance. Last evaluated: 2024-04-30. Review status: criteria provided, single submitter. Criteria: ACMG Guidelines, 2015. Collection method: clinical testing. Allele origin: germline.

Natera, Inc.
Classification: Uncertain significance for Nemaline myopathy type 2. Last evaluated: 2020-03-11. Review status: no assertion criteria provided. Collection method: clinical testing. Allele origin: germline. Not counted in ClinVar's aggregate classification.

NM_001164508.2(NEB):c.19358C>T (p.Thr6453Met)

Gene: NEB (nebulin; minus strand). Cytogenetic location: 2q23.3.
Variant type: single nucleotide variant.
Coding change: c.19358C>T on transcript NM_001164508.2 (MANE Select); coding-DNA position 19358, C replaced by T.
Protein change: p.Thr6453Met; replaces threonine 6453 with methionine.
Molecular consequence: missense variant.
Genome position (GRCh38, 1-based): chr2:151,555,001, G>A on the plus strand (C>T on the coding strand, the complement: NEB is on the minus strand). VCF-style: chr2-151555001-G-A. GRCh37 (hg19) VCF-style: chr2-152411515-G-A.
Other names: c.14255C>T (NM_004543.4); c.19358C>T, p.Thr6453Met (NM_001164507.2, NM_001271208.2); c.14255C>T, p.Thr4752Met (NM_004543.5); short protein forms T4752M, T6453M.
Identifiers: ClinVar variation 664956 (VCV000664956.14), dbSNP rs370810654, ClinGen allele CA1907674.